The following is an entry in ClinVar:

ClinVar aggregate classification (germline): Conflicting classifications of pathogenicity. Review status: criteria provided, conflicting classifications (1 of 4 stars). 2 submissions from 2 submitters: Uncertain significance (1); Likely benign (1). Last evaluated 2026-01-14.

Allele frequency attached by ClinVar (database versions not stated): TOPMed below 0.00001; ExAC 0.00001; gnomAD 0.00001; gnomAD exomes 0.00001.
gnomAD v4.1: 16 of 1,610,172 alleles (0.00099%); highest among the groups gnomAD compares: Non-Finnish European, 0.0014%; no homozygotes.

Submissions (2):

Labcorp Genetics (formerly Invitae), Labcorp
Classification: Uncertain significance. Last evaluated: 2026-01-14. Review status: criteria provided, single submitter. Criteria: Invitae Variant Classification Sherloc (09022015). Collection method: clinical testing. Allele origin: germline.
Comment: This sequence change replaces isoleucine, which is neutral and non-polar, with threonine, which is neutral and polar, at codon 563 of the CFH protein (p.Ile563Thr). This variant is present in population databases (rs767435695, gnomAD 0.002%). This variant has not been reported in the literature in individuals affected with CFH-related conditions. ClinVar contains an entry for this variant (Variation ID: 1361265). An algorithm developed to predict the effect of missense changes on protein structure and function outputs the following: PolyPhen-2: "Benign". The threonine amino acid residue is found in multiple mammalian species, which suggests that this missense change does not adversely affect protein function. In summary, the available evidence is currently insufficient to determine the role of this variant in disease. Therefore, it has been classified as a Variant of Uncertain Significance.

Blueprint Genetics
Classification: Likely benign. Last evaluated: 2021-11-10. Review status: criteria provided, single submitter. Criteria: ACMG Guidelines, 2015. Collection method: clinical testing. Allele origin: germline.

NM_000186.4(CFH):c.1688T>C (p.Ile563Thr)

Gene: CFH (complement factor H; plus strand). Cytogenetic location: 1q31.3.
Variant type: single nucleotide variant.
Coding change: c.1688T>C on transcript NM_000186.4 (MANE Select); coding-DNA position 1688, T replaced by C.
Protein change: p.Ile563Thr; replaces isoleucine 563 with threonine.
Molecular consequence: missense variant.
Genome position (GRCh38, 1-based): chr1:196,715,761, T>C. VCF-style: chr1-196715761-T-C. GRCh37 (hg19) VCF-style: chr1-196684891-T-C.
Other names: short protein forms I563T.
Identifiers: ClinVar variation 1361265 (VCV001361265.9), dbSNP rs767435695, ClinGen allele CA1305454.